The following is an entry in ClinVar:

ClinVar aggregate classification (germline): Uncertain significance. Review status: criteria provided, multiple submitters, no conflicts (2 of 4 stars). 3 submissions from 3 submitters: Uncertain significance (3). Last evaluated 2025-07-21.

Conditions:
Inborn genetic diseases. Identifiers: MedGen C0950123, MeSH D030342.

Allele frequency attached by ClinVar (database versions not stated): gnomAD 0.00001; TOPMed 0.00001.
gnomAD v4.1: 6 of 1,614,090 alleles (0.00037%); highest among the groups gnomAD compares: South Asian, 0.0011%; no homozygotes.

Submissions (3):

Labcorp Genetics (formerly Invitae), Labcorp
Classification: Uncertain significance. Last evaluated: 2025-07-21. Review status: criteria provided, single submitter. Criteria: Invitae Variant Classification Sherloc (09022015). Collection method: clinical testing. Allele origin: germline.
Comment: This sequence change replaces histidine, which is basic and polar, with arginine, which is basic and polar, at codon 160 of the DDX41 protein (p.His160Arg). This variant is not present in population databases (gnomAD no frequency). This missense change has been observed in individual(s) with DDX41-related conditions (PMID: 37506341). ClinVar contains an entry for this variant (Variation ID: 1926625). An algorithm developed to predict the effect of missense changes on protein structure and function (PolyPhen-2) suggests that this variant is likely to be tolerated. In summary, the available evidence is currently insufficient to determine the role of this variant in disease. Therefore, it has been classified as a Variant of Uncertain Significance.

GeneDx
Classification: Uncertain significance. Last evaluated: 2025-05-19. Review status: criteria provided, single submitter. Criteria: GeneDx Variant Classification Process June 2021. Collection method: clinical testing. Allele origin: germline. Affected: yes.
Comment: Not observed at significant frequency in large population cohorts (gnomAD); In silico analysis supports that this missense variant has a deleterious effect on protein structure/function; Has not been previously published as pathogenic or benign to our knowledge

Ambry Genetics
Classification: Uncertain significance for Inborn genetic diseases. Last evaluated: 2024-12-16. Review status: criteria provided, single submitter. Criteria: Ambry Variant Classification Scheme 2023. Collection method: clinical testing. Allele origin: germline.
Comment: The p.H160R variant (also known as c.479A>G), located in coding exon 6 of the DDX41 gene, results from an A to G substitution at nucleotide position 479. The histidine at codon 160 is replaced by arginine, an amino acid with highly similar properties. This amino acid position is highly conserved in available vertebrate species. In addition, this alteration is predicted to be tolerated by in silico analysis. Based on the available evidence, the clinical significance of this variant remains unclear.

Literature cited by the submitters: PubMed 37506341 (cited by Labcorp Genetics (formerly Invitae), Labcorp).

NM_016222.4(DDX41):c.479A>G (p.His160Arg)

Gene: DDX41 (DEAD-box helicase 41; minus strand). Cytogenetic location: 5q35.3.
Variant type: single nucleotide variant.
Coding change: c.479A>G on transcript NM_016222.4 (MANE Select); coding-DNA position 479, A replaced by G.
Protein change: p.His160Arg; replaces histidine 160 with arginine.
Molecular consequence: missense variant.
Genome position (GRCh38, 1-based): chr5:177,515,777, T>C on the plus strand (A>G on the coding strand, the complement: DDX41 is on the minus strand). VCF-style: chr5-177515777-T-C. GRCh37 (hg19) VCF-style: chr5-176942778-T-C.
Other names: c.101A>G, p.His34Arg (NM_001321732.2, NM_001321830.2); c.479A>G (NM_016222.2); short protein forms H34R, H160R.
Identifiers: ClinVar variation 1926625 (VCV001926625.7), dbSNP rs879654141, ClinGen allele CA132893532.